The following is an entry in ClinVar:

NM_001378454.1(ALMS1):c.8770C>T (p.Leu2924Phe)

Gene: ALMS1 (ALMS1 centrosome and basal body associated protein; plus strand). Cytogenetic location: 2p13.1.
Variant type: single nucleotide variant.
Coding change: c.8770C>T on transcript NM_001378454.1 (MANE Select); coding-DNA position 8770, C replaced by T.
Protein change: p.Leu2924Phe; replaces leucine 2924 with phenylalanine.
Molecular consequence: missense variant.
Genome position (GRCh38, 1-based): chr2:73,490,729, C>T. VCF-style: chr2-73490729-C-T. GRCh37 (hg19) VCF-style: chr2-73717856-C-T.
Other names: c.8773C>T, p.Leu2925Phe (NM_015120.4); short protein forms L2924F, L2925F.
Identifiers: ClinVar variation 2041658 (VCV002041658.2), dbSNP rs1672963487, ClinGen allele CA347270475.

ClinVar aggregate classification (germline): Conflicting classifications of pathogenicity. Review status: criteria provided, conflicting classifications (1 of 4 stars). 2 submissions from 2 submitters: Uncertain significance (1); Likely benign (1). Last evaluated 2026-05-12.

Conditions:
Cardiovascular phenotype. Identifiers: MedGen CN230736.
Alstrom syndrome (ALMS). Identifiers: Orphanet 64, MedGen C0268425, MONDO:0008763, OMIM 203800.

Submissions (2):

Ambry Genetics
Classification: Likely benign for Cardiovascular phenotype. Last evaluated: 2026-05-12. Review status: criteria provided, single submitter. Criteria: Ambry Variant Classification Scheme 2023. Collection method: clinical testing. Allele origin: germline.

Labcorp Genetics (formerly Invitae), Labcorp
Classification: Uncertain significance for Alstrom syndrome. Last evaluated: 2022-04-01. Review status: criteria provided, single submitter. Criteria: Invitae Variant Classification Sherloc (09022015). Collection method: clinical testing. Allele origin: germline.
Comment: This sequence change replaces leucine, which is neutral and non-polar, with phenylalanine, which is neutral and non-polar, at codon 2925 of the ALMS1 protein (p.Leu2925Phe). This variant is not present in population databases (gnomAD no frequency). This variant has not been reported in the literature in individuals affected with ALMS1-related conditions. Experimental studies and prediction algorithms are not available or were not evaluated, and the functional significance of this variant is currently unknown. In summary, the available evidence is currently insufficient to determine the role of this variant in disease. Therefore, it has been classified as a Variant of Uncertain Significance.